The following is an entry in ClinVar:

ClinVar aggregate classification (germline): Benign. Review status: criteria provided, multiple submitters, no conflicts (2 of 4 stars). 7 submissions from 7 submitters: Benign (7). Last evaluated 2026-02-01.

Conditions:
Primary ciliary dyskinesia. Also called: Ciliary dyskinesia. Identifiers: Orphanet 244, MedGen C0008780, MONDO:0016575, HP:0012265.
Primary ciliary dyskinesia 15. Also called: CILIARY DYSKINESIA, PRIMARY, 15, WITH OR WITHOUT SITUS INVERSUS. Identifiers: Orphanet 244, MedGen C3151137, MONDO:0013435, OMIM 613808.

Allele frequency attached by ClinVar (database versions not stated): 1000 Genomes Project 30x 0.02920; 1000 Genomes Project 0.02736; TOPMed 0.02871; ESP Exome Variant Server 0.02873.
gnomAD v4.1: 7,887 of 1,614,062 alleles (0.49%); highest among the groups gnomAD compares: African/African-American, 9.2%; 355 homozygotes.

Submissions (7):

Labcorp Genetics (formerly Invitae), Labcorp
Classification: Benign for Primary ciliary dyskinesia. Last evaluated: 2026-02-01. Review status: criteria provided, single submitter. Criteria: Invitae Variant Classification Sherloc (09022015). Collection method: clinical testing. Allele origin: germline.

GeneDx
Classification: Benign. Last evaluated: 2018-07-09. Review status: criteria provided, single submitter. Criteria: GeneDx Variant Classification Process June 2021. Collection method: clinical testing. Allele origin: germline. Affected: yes.
Comment: This variant is associated with the following publications: (PMID: 31213628)

Illumina Laboratory Services, Illumina
Classification: Benign for Primary ciliary dyskinesia 15. Last evaluated: 2018-01-13. Review status: criteria provided, single submitter. Criteria: ICSL Variant Classification Criteria 13 December 2019. Collection method: clinical testing. Allele origin: germline.
Comment: This variant was observed in the ICSL laboratory as part of a predisposition screen in an ostensibly healthy population. It had not been previously curated by ICSL or reported in the Human Gene Mutation Database (HGMD: prior to June 1st, 2018), and was therefore a candidate for classification through an automated scoring system. Utilizing variant allele frequency, disease prevalence and penetrance estimates, and inheritance mode, an automated score was calculated to assess if this variant is too frequent to cause the disease. Based on the score and internal cut-off values, a variant classified as benign is not then subjected to further curation. The score for this variant resulted in a classification of benign for this disease.

Ambry Genetics
Classification: Benign for Primary ciliary dyskinesia. Last evaluated: 2016-08-02. Review status: criteria provided, single submitter. Criteria: Ambry Variant Classification Scheme 2023. Collection method: clinical testing. Allele origin: germline.

Laboratory for Molecular Medicine, Mass General Brigham Personalized Medicine
Classification: Benign. Last evaluated: 2015-08-12. Review status: criteria provided, single submitter. Criteria: LMM Criteria. Collection method: clinical testing. Allele origin: germline. Observed: 2 variant alleles.
Comment: p.Arg967Leu in exon 18 of CCDC40: This variant is not expected to have clinical significance it has been identified in 8.8% (861/9720) of African chromosomes by the Exome Aggregation Consortium (ExAC; dbSNP r s61686936).

Breakthrough Genomics
Classification: Benign. Review status: criteria provided, single submitter. Criteria: ACMG Guidelines, 2015. Collection method: not provided. Allele origin: germline. Inheritance: Autosomal recessive inheritance. Affected: yes.

PreventionGenetics, part of Exact Sciences
Classification: Benign. Review status: criteria provided, single submitter. Criteria: ACMG Guidelines, 2015. Collection method: clinical testing. Allele origin: germline.

NM_017950.4(CCDC40):c.2900G>T (p.Arg967Leu)

Gene: CCDC40 (coiled-coil domain 40 molecular ruler complex subunit; plus strand). Cytogenetic location: 17q25.3.
Variant type: single nucleotide variant.
Coding change: c.2900G>T on transcript NM_017950.4 (MANE Select); coding-DNA position 2900, G replaced by T.
Protein change: p.Arg967Leu; replaces arginine 967 with leucine.
Molecular consequence: missense variant.
Genome position (GRCh38, 1-based): chr17:80,095,330, G>T. VCF-style: chr17-80095330-G-T. GRCh37 (hg19) VCF-style: chr17-78069129-G-T.
Other names: short protein forms R967L.
Identifiers: ClinVar variation 226493 (VCV000226493.25), dbSNP rs61686936, ClinGen allele CA8814542.